The following is an entry in ClinVar:

ClinVar aggregate classification (germline): Likely benign (1 of 4 stars; one submission).

Allele frequency attached by ClinVar (database versions not stated): gnomAD exomes below 0.00001 and 0.00001.
gnomAD v4.1: 3 of 1,208,056 alleles (0.00025%); highest among the groups gnomAD compares: Non-Finnish European, 0.00034%; no homozygotes.

Submission:

GeneDx
Classification: Likely benign. Last evaluated: 2019-12-18. Review status: criteria provided, single submitter. Criteria: GeneDx Variant Classification Process June 2021. Collection method: clinical testing. Allele origin: germline. Affected: yes.
Comment: In silico analysis, which includes protein predictors and evolutionary conservation, supports that this variant does not alter protein structure/function; Has not been previously published as pathogenic or benign to our knowledge

NM_014467.3(SRPX2):c.1165G>A (p.Val389Met)

Gene: SRPX2 (sushi repeat containing protein X-linked 2; plus strand). Cytogenetic location: Xq22.1.
Variant type: single nucleotide variant.
Coding change: c.1165G>A on transcript NM_014467.3 (MANE Select); coding-DNA position 1165, G replaced by A.
Protein change: p.Val389Met; replaces valine 389 with methionine.
Molecular consequence: missense variant.
Genome position (GRCh38, 1-based): chrX:100,669,317, G>A. VCF-style: chrX-100669317-G-A. GRCh37 (hg19) VCF-style: chrX-99924314-G-A.
Other names: short protein forms V389M.
Identifiers: ClinVar variation 451348 (VCV000451348.3), dbSNP rs1453303256, ClinGen allele CA413915954.